The following is an entry in ClinVar:

NM_003816.3(ADAM9):c.490C>T (p.Arg164Ter)

Gene: ADAM9 (ADAM metallopeptidase domain 9; plus strand). Cytogenetic location: 8p11.22.
Variant type: single nucleotide variant.
Coding change: c.490C>T on transcript NM_003816.3 (MANE Select); coding-DNA position 490, C replaced by T.
Protein change: p.Arg164Ter; replaces arginine 164 with a stop codon.
Molecular consequence: nonsense. On other transcripts: non-coding transcript variant (3).
Genome position (GRCh38, 1-based): chr8:39,017,298, C>T. VCF-style: chr8-39017298-C-T. GRCh37 (hg19) VCF-style: chr8-38874817-C-T.
Other names: R490*; short protein forms R164*.
Identifiers: ClinVar variation 6878 (VCV000006878.5), dbSNP rs137853041, ClinGen allele CA118545.
Genomic context (GRCh38, chr8:39,017,298, plus strand): 5'-AATGCGAGTTATGGGATTGAACCCCTGCAGAACAGCTCTCATTTTGAGCACATCATTTAT[C>T]GAATGGATGATGTCTACAAAGAGCCTCTGAAATGTGGAGTTTCCAACAAGGATATAGAGA-3'

ClinVar aggregate classification (germline): Pathogenic. Review status: criteria provided, single submitter (1 of 4 stars). 3 submissions from 3 submitters: Pathogenic (1). 2 of the submissions do not count toward it. Last evaluated 2016-11-03.

Conditions:
Cone-rod dystrophy 9 (CORD9). Identifiers: Orphanet 1872, MedGen C1423873, MONDO:0013002, OMIM 612775.
Cone-rod dystrophy. Also called: Cone-rod degeneration; Cone/cone-rod dystrophy. Identifiers: Orphanet 1872, MedGen C4085590, MONDO:0015993, HP:0000548.

Allele frequency attached by ClinVar (database versions not stated): TOPMed 0.00001; gnomAD 0.00001.
gnomAD v4.1: 5 of 1,613,838 alleles (0.00031%); highest among the groups gnomAD compares: Non-Finnish European, 0.00042%; no homozygotes.

Submissions (3):

GeneDx
Classification: Pathogenic. Last evaluated: 2016-11-03. Review status: criteria provided, single submitter. Criteria: GeneDx Variant Classification (06012015). Collection method: clinical testing. Allele origin: germline. Affected: yes.
Comment: The R164X variant in the ADAM9 gene has been reported previously as a homozygous variant in three siblings with cone-rod dystrophy (Parry et al., 2009). This variant is predicted to cause loss of normal protein function either through protein truncation or nonsense-mediated mRNA decay. The R164X variant was not observed at any significant frequency in approximately 6500 individuals of European and African American ancestry in the NHLBI Exome Sequencing Project, indicating it is not a common benign variant in these populations. We interpret R164X as a pathogenic variant.

Sharon lab, Hadassah-Hebrew University Medical Center
Classification: Pathogenic for Cone-rod degeneration. Last evaluated: 2019-06-23. Review status: no assertion criteria provided. Collection method: research. Allele origin: inherited. Affected: yes. Not counted in ClinVar's aggregate classification.

OMIM
Classification: Pathogenic for CONE-ROD DYSTROPHY 9. Last evaluated: 2009-05-01. Review status: no assertion criteria provided. Collection method: literature only. Allele origin: germline. Not counted in ClinVar's aggregate classification.

Literature cited by the submitters: PubMed 19409519 (cited by OMIM).